The following is an entry in ClinVar:

NM_001365951.3(KIF1B):c.1696C>T (p.Arg566Cys)

Gene: KIF1B (kinesin family member 1B; plus strand). Cytogenetic location: 1p36.22.
Variant type: single nucleotide variant.
Coding change: c.1696C>T on transcript NM_001365951.3 (MANE Select); coding-DNA position 1696, C replaced by T.
Protein change: p.Arg566Cys; replaces arginine 566 with cysteine.
Molecular consequence: missense variant.
Genome position (GRCh38, 1-based): chr1:10,295,685, C>T. VCF-style: chr1-10295685-C-T. GRCh37 (hg19) VCF-style: chr1-10355743-C-T.
Other names: c.1696C>T, p.Arg566Cys (NM_001365952.1); c.1558C>T, p.Arg520Cys (NM_001365953.1, NM_015074.3, NM_183416.4); short protein forms R520C, R566C.
Identifiers: ClinVar variation 665386 (VCV000665386.11), dbSNP rs985819179, ClinGen allele CA17812854.

ClinVar aggregate classification (germline): Uncertain significance. Review status: criteria provided, multiple submitters, no conflicts (2 of 4 stars). 2 submissions from 2 submitters: Uncertain significance (2). Last evaluated 2024-01-27.

Conditions:
Charcot-Marie-Tooth disease type 2. Also called: Charcot-Marie-Tooth type 2. Identifiers: Orphanet 64746, MedGen C0270914, MONDO:0018993.

Allele frequency attached by ClinVar (database versions not stated): gnomAD 0.00001; TOPMed 0.00001.
gnomAD v4.1: 3 of 1,613,692 alleles (0.00019%); highest among the groups gnomAD compares: African/African-American, 0.0013%; no homozygotes.

Submissions (2):

Ambry Genetics
Classification: Uncertain significance. Last evaluated: 2024-01-27. Review status: criteria provided, single submitter. Criteria: Ambry Variant Classification Scheme 2023. Collection method: clinical testing. Allele origin: germline.
Comment: The p.R520C variant (also known as c.1558C>T), located in coding exon 16 of the KIF1B gene, results from a C to T substitution at nucleotide position 1558. The arginine at codon 520 is replaced by cysteine, an amino acid with highly dissimilar properties. This amino acid position is highly conserved in available vertebrate species. In addition, this alteration is predicted to be deleterious by in silico analysis. Since supporting evidence is limited at this time, the clinical significance of this alteration remains unclear.

Labcorp Genetics (formerly Invitae), Labcorp
Classification: Uncertain significance for Charcot-Marie-Tooth disease type 2. Last evaluated: 2021-08-23. Review status: criteria provided, single submitter. Criteria: Invitae Variant Classification Sherloc (09022015). Collection method: clinical testing. Allele origin: germline.
Comment: This variant has not been reported in the literature in individuals with KIF1B-related disease. Algorithms developed to predict the effect of missense changes on protein structure and function are either unavailable or do not agree on the potential impact of this missense change (SIFT: "Deleterious"; PolyPhen-2: "Probably Damaging"; Align-GVGD: "Class C0"). In summary, the available evidence is currently insufficient to determine the role of this variant in disease. Therefore, it has been classified as a Variant of Uncertain Significance. This variant is not present in population databases (ExAC no frequency). This sequence change replaces arginine with cysteine at codon 520 of the KIF1B protein (p.Arg520Cys). The arginine residue is highly conserved and there is a large physicochemical difference between arginine and cysteine.